The following is an entry in ClinVar:

NM_000271.5(NPC1):c.3081_3082dup (p.Gly1028fs)

Gene: NPC1 (NPC intracellular cholesterol transporter 1; minus strand). Cytogenetic location: 18q11.2.
Variant type: Duplication.
Coding change: c.3081_3082dup on transcript NM_000271.5 (MANE Select); coding-DNA positions 3081 to 3082, 2 bases duplicated (TG; older notation c.3081_3082dupTG).
Protein change: p.Gly1028fs; shifts the reading frame from glycine 1028.
Molecular consequence: frameshift variant.
Genome position (GRCh38, 1-based): chr18:23,536,836-23,536,837, CA duplicated on the plus strand (TG on the coding strand, the reverse complement: NPC1 is on the minus strand). VCF-style (leftmost placement, unchanged base first): chr18-23536835-C-CCA. GRCh37 (hg19) VCF-style: chr18-21116799-C-CCA.
Other names: short protein forms G1028fs.
Identifiers: ClinVar variation 2703554 (VCV002703554.3), dbSNP rs2511197807, ClinGen allele CA2697555333.

ClinVar aggregate classification (germline): Pathogenic (1 of 4 stars; one submission).

Conditions:
Niemann-Pick disease, type C1. Also called: NEUROVISCERAL STORAGE DISEASE WITH VERTICAL SUPRANUCLEAR OPHTHALMOPLEGIA; NIEMANN-PICK DISEASE WITH CHOLESTEROL ESTERIFICATION BLOCK; NIEMANN-PICK DISEASE WITHOUT SPHINGOMYELINASE DEFICIENCY; NIEMANN-PICK DISEASE, CHRONIC NEURONOPATHIC FORM; NIEMANN-PICK DISEASE, VARIANT TYPE C1. Identifiers: Orphanet 646, MedGen C3179455, MONDO:0009757, OMIM 257220.

Submission:

Labcorp Genetics (formerly Invitae), Labcorp
Classification: Pathogenic for Niemann-Pick disease, type C1. Last evaluated: 2023-12-16. Review status: criteria provided, single submitter. Criteria: Invitae Variant Classification Sherloc (09022015). Collection method: clinical testing. Allele origin: germline.
Comment: This sequence change creates a premature translational stop signal (p.Gly1028Valfs*13) in the NPC1 gene. It is expected to result in an absent or disrupted protein product. Loss-of-function variants in NPC1 are known to be pathogenic (PMID: 9211850). This variant is not present in population databases (gnomAD no frequency). This variant has not been reported in the literature in individuals affected with NPC1-related conditions. Algorithms developed to predict the effect of sequence changes on RNA splicing suggest that this variant may disrupt the consensus splice site. For these reasons, this variant has been classified as Pathogenic.

Literature cited by the submitters: PubMed 9211850.